The following is an entry in ClinVar:

ClinVar aggregate classification (germline): Benign. Review status: criteria provided, multiple submitters, no conflicts (2 of 4 stars). 3 submissions from 3 submitters: Benign (3). Last evaluated 2026-02-01.

Conditions:
Autosomal recessive proximal renal tubular acidosis (PRTAO). Also called: RTA, PROXIMAL, AUTOSOMAL RECESSIVE; RENAL TUBULAR ACIDOSIS, PROXIMAL, WITH OCULAR ABNORMALITIES AND MENTAL RETARDATION; RENAL TUBULAR ACIDOSIS, PROXIMAL, WITH OCULAR ABNORMALITIES AND IMPAIRED INTELLECTUAL DEVELOPMENT; PROXIMAL RENAL TUBULAR ACIDOSIS-OCULAR ANOMALY SYNDROME. Identifiers: Orphanet 93607, MedGen C1970309, MONDO:0011422, OMIM 604278.

Allele frequency attached by ClinVar (database versions not stated): ESP Exome Variant Server 0.00046; gnomAD 0.00135 and 0.00152; TOPMed 0.00236; ExAC 0.00310; gnomAD exomes 0.00384; 1000 Genomes Project 0.00419; 1000 Genomes Project 30x 0.00453.
gnomAD v4.1: 1,890 of 1,613,648 alleles (0.12%); highest among the groups gnomAD compares: Admixed American, 1.3%; 16 homozygotes.

Submissions (3):

Labcorp Genetics (formerly Invitae), Labcorp
Classification: Benign. Last evaluated: 2026-02-01. Review status: criteria provided, single submitter. Criteria: Invitae Variant Classification Sherloc (09022015). Collection method: clinical testing. Allele origin: germline.

Mayo Clinic Laboratories, Mayo Clinic
Classification: Benign. Last evaluated: 2024-10-11. Review status: criteria provided, single submitter. Criteria: ACMG Guidelines, 2015. Collection method: clinical testing. Allele origin: germline. Observed: 1 variant allele.
Comment: BS1, BS2

Illumina Laboratory Services, Illumina
Classification: Benign for Autosomal recessive proximal renal tubular acidosis. Last evaluated: 2018-01-13. Review status: criteria provided, single submitter. Criteria: ICSL Variant Classification Criteria 13 December 2019. Collection method: clinical testing. Allele origin: germline.
Comment: This variant was observed in the ICSL laboratory as part of a predisposition screen in an ostensibly healthy population. It had not been previously curated by ICSL or reported in the Human Gene Mutation Database (HGMD: prior to June 1st, 2018), and was therefore a candidate for classification through an automated scoring system. Utilizing variant allele frequency, disease prevalence and penetrance estimates, and inheritance mode, an automated score was calculated to assess if this variant is too frequent to cause the disease. Based on the score and internal cut-off values, a variant classified as benign is not then subjected to further curation. The score for this variant resulted in a classification of benign for this disease.

Literature cited by the submitters: PubMed 35132093 (cited by Mayo Clinic Laboratories, Mayo Clinic).

NM_001098484.3(SLC4A4):c.1271G>A (p.Gly424Asp)

Gene: SLC4A4 (solute carrier family 4 member 4; plus strand). Cytogenetic location: 4q13.3.
Variant type: single nucleotide variant.
Coding change: c.1271G>A on transcript NM_001098484.3 (MANE Select); coding-DNA position 1271, G replaced by A.
Protein change: p.Gly424Asp; replaces glycine 424 with aspartic acid.
Molecular consequence: missense variant.
Genome position (GRCh38, 1-based): chr4:71,451,250, G>A. VCF-style: chr4-71451250-G-A. GRCh37 (hg19) VCF-style: chr4-72316967-G-A.
Other names: p.Gly424Asp; c.1271G>A, p.Gly424Asp (NM_001134742.2); c.1139G>A, p.Gly380Asp (NM_003759.4); short protein forms G380D, G424D.
Identifiers: ClinVar variation 349545 (VCV000349545.15), dbSNP rs148635969, ClinGen allele CA2954781.